The following is an entry in ClinVar:

NM_000057.4(BLM):c.1114C>G (p.Leu372Val)

Gene: BLM (BLM RecQ like helicase; plus strand). Cytogenetic location: 15q26.1.
Variant type: single nucleotide variant.
Coding change: c.1114C>G on transcript NM_000057.4 (MANE Select); coding-DNA position 1114, C replaced by G.
Protein change: p.Leu372Val; replaces leucine 372 with valine.
Molecular consequence: missense variant. On other transcripts: 5 prime UTR variant (1).
Genome position (GRCh38, 1-based): chr15:90,760,173, C>G. VCF-style: chr15-90760173-C-G. GRCh37 (hg19) VCF-style: chr15-91303403-C-G.
Other names: c.1114C>G, p.Leu372Val (NM_001287246.2, NM_001287247.2); c.-12C>G (NM_001287248.2); short protein forms L372V.
Identifiers: ClinVar variation 4703076 (VCV004703076.2).

ClinVar aggregate classification (germline): Uncertain significance. Review status: criteria provided, multiple submitters, no conflicts (2 of 4 stars). 2 submissions from 2 submitters: Uncertain significance (2). Last evaluated 2026-07-06.

Conditions:
Bloom syndrome (BLM). Also called: Bloom-Torre-Machacek syndrome. Identifiers: Orphanet 125, MedGen C0005859, MONDO:0008876, OMIM 210900.
Hereditary cancer-predisposing syndrome. Also called: Hereditary Cancer Syndrome; Hereditary neoplastic syndrome; Neoplastic Syndromes, Hereditary; Tumor predisposition. Identifiers: Orphanet 140162, MedGen C0027672, MeSH D009386, MONDO:0015356.

gnomAD v4.1: 1 of 1,611,848 alleles (0.000062%); highest among the groups gnomAD compares: South Asian, 0.0011%; no homozygotes.

Submissions (2):

Ambry Genetics
Classification: Uncertain significance for Hereditary cancer-predisposing syndrome. Last evaluated: 2026-07-06. Review status: criteria provided, single submitter. Criteria: Ambry Variant Classification Scheme 2023. Collection method: clinical testing. Allele origin: germline.
Comment: The p.L372V variant (also known as c.1114C>G), located in coding exon 5 of the BLM gene, results from a C to G substitution at nucleotide position 1114. The leucine at codon 372 is replaced by valine, an amino acid with highly similar properties. This amino acid position is conserved. In addition, the in silico prediction for this alteration is inconclusive. Based on the available evidence, the clinical significance of this variant remains unclear.

Labcorp Genetics (formerly Invitae), Labcorp
Classification: Uncertain significance for Bloom syndrome. Last evaluated: 2025-07-30. Review status: criteria provided, single submitter. Criteria: Invitae Variant Classification Sherloc (09022015). Collection method: clinical testing. Allele origin: germline.
Comment: This sequence change replaces leucine, which is neutral and non-polar, with valine, which is neutral and non-polar, at codon 372 of the BLM protein (p.Leu372Val). This variant is present in population databases (no rsID available, gnomAD 0.003%). This variant has not been reported in the literature in individuals affected with BLM-related conditions. Invitae Evidence Modeling of protein sequence and biophysical properties (such as structural, functional, and spatial information, amino acid conservation, physicochemical variation, residue mobility, and thermodynamic stability) has been performed for this missense variant. However, the output from this modeling did not meet the statistical confidence thresholds required to predict the impact of this variant on BLM protein function. Algorithms developed to predict the effect of sequence changes on RNA splicing suggest that this variant may disrupt the consensus splice site. In summary, the available evidence is currently insufficient to determine the role of this variant in disease. Therefore, it has been classified as a Variant of Uncertain Significance.